The following is an entry in ClinVar:

ClinVar aggregate classification (germline): Conflicting classifications of pathogenicity. Review status: criteria provided, conflicting classifications (1 of 4 stars). 2 submissions from 2 submitters: Uncertain significance (1); Likely benign (1). Last evaluated 2024-08-25.

Conditions:
Inborn genetic diseases. Identifiers: MedGen C0950123, MeSH D030342.

Submissions (2):

Ambry Genetics
Classification: Likely benign for Inborn genetic diseases. Last evaluated: 2024-08-25. Review status: criteria provided, single submitter. Criteria: Ambry Variant Classification Scheme 2023. Collection method: clinical testing. Allele origin: germline.

Labcorp Genetics (formerly Invitae), Labcorp
Classification: Uncertain significance. Last evaluated: 2022-03-14. Review status: criteria provided, single submitter. Criteria: Invitae Variant Classification Sherloc (09022015). Collection method: clinical testing. Allele origin: germline.
Comment: This sequence change replaces valine, which is neutral and non-polar, with isoleucine, which is neutral and non-polar, at codon 4266 of the LRP2 protein (p.Val4266Ile). This variant is not present in population databases (gnomAD no frequency). This variant has not been reported in the literature in individuals affected with LRP2-related conditions. Advanced modeling of protein sequence and biophysical properties (such as structural, functional, and spatial information, amino acid conservation, physicochemical variation, residue mobility, and thermodynamic stability) performed at Invitae indicates that this missense variant is not expected to disrupt LRP2 protein function. In summary, the available evidence is currently insufficient to determine the role of this variant in disease. Therefore, it has been classified as a Variant of Uncertain Significance.

NM_004525.3(LRP2):c.12796G>A (p.Val4266Ile)

Gene: LRP2 (LDL receptor related protein 2; minus strand). Cytogenetic location: 2q31.1.
Variant type: single nucleotide variant.
Coding change: c.12796G>A on transcript NM_004525.3 (MANE Select); coding-DNA position 12796, G replaced by A.
Protein change: p.Val4266Ile; replaces valine 4266 with isoleucine.
Molecular consequence: missense variant.
Genome position (GRCh38, 1-based): chr2:169,146,754, C>T on the plus strand (G>A on the coding strand, the complement: LRP2 is on the minus strand). VCF-style: chr2-169146754-C-T. GRCh37 (hg19) VCF-style: chr2-170003264-C-T.
Other names: c.12796G>A (NM_004525.2); short protein forms V4266I.
Identifiers: ClinVar variation 2106801 (VCV002106801.5), dbSNP rs2545663250, ClinGen allele CA349129235.